The following is an entry in ClinVar:

NM_024529.5(CDC73):c.668A>G (p.Asp223Gly)

Gene: CDC73 (cell division cycle 73; plus strand). Cytogenetic location: 1q31.2.
Variant type: single nucleotide variant.
Coding change: c.668A>G on transcript NM_024529.5 (MANE Select); coding-DNA position 668, A replaced by G.
Protein change: p.Asp223Gly; replaces aspartic acid 223 with glycine.
Molecular consequence: missense variant.
Genome position (GRCh38, 1-based): chr1:193,142,005, A>G. VCF-style: chr1-193142005-A-G. GRCh37 (hg19) VCF-style: chr1-193111135-A-G.
Other names: short protein forms D223G.
Identifiers: ClinVar variation 659072 (VCV000659072.10), dbSNP rs776394390, ClinGen allele CA1303428.

ClinVar aggregate classification (germline): Uncertain significance. Review status: criteria provided, multiple submitters, no conflicts (2 of 4 stars). 2 submissions from 2 submitters: Uncertain significance (2). Last evaluated 2023-12-14.

Conditions:
Hereditary cancer-predisposing syndrome. Also called: Hereditary neoplastic syndrome; Neoplastic Syndromes, Hereditary; Hereditary Cancer Syndrome; Tumor predisposition. Identifiers: Orphanet 140162, MedGen C0027672, MeSH D009386, MONDO:0015356.
Parathyroid carcinoma (PRTC). Also called: CDC73-Related Parathyroid Carcinoma; Parathyroid gland carcinoma. Identifiers: Orphanet 143, MedGen C0687150, MONDO:0012004, OMIM 608266, HP:0006780.

Allele frequency attached by ClinVar (database versions not stated): gnomAD exomes below 0.00001 and 0.00001; ExAC 0.00002.
gnomAD v4.1: 3 of 1,614,036 alleles (0.00019%); highest among the groups gnomAD compares: Non-Finnish European, 0.00025%; no homozygotes.

Submissions (2):

Ambry Genetics
Classification: Uncertain significance for Hereditary cancer-predisposing syndrome. Last evaluated: 2023-12-14. Review status: criteria provided, single submitter. Criteria: Ambry Variant Classification Scheme 2023. Collection method: clinical testing. Allele origin: germline.
Comment: The p.D223G variant (also known as c.668A>G), located in coding exon 7 of the CDC73 gene, results from an A to G substitution at nucleotide position 668. The aspartic acid at codon 223 is replaced by glycine, an amino acid with similar properties. This amino acid position is conserved. In addition, this alteration is predicted to be deleterious by in silico analysis. Since supporting evidence is limited at this time, the clinical significance of this alteration remains unclear.

Labcorp Genetics (formerly Invitae), Labcorp
Classification: Uncertain significance for Parathyroid carcinoma. Last evaluated: 2018-11-08. Review status: criteria provided, single submitter. Criteria: Invitae Variant Classification Sherloc (09022015). Collection method: clinical testing. Allele origin: germline.
Comment: This sequence change replaces aspartic acid with glycine at codon 223 of the CDC73 protein (p.Asp223Gly). The aspartic acid residue is highly conserved and there is a moderate physicochemical difference between aspartic acid and glycine. This variant is present in population databases (rs776394390, ExAC 0.003%). This variant has not been reported in the literature in individuals with CDC73-related disease. Algorithms developed to predict the effect of missense changes on protein structure and function are either unavailable or do not agree on the potential impact of this missense change (SIFT: "Deleterious"; PolyPhen-2: "Possibly Damaging"; Align-GVGD: "Class C0"). Algorithms developed to predict the effect of sequence changes on RNA splicing suggest that this variant may create or strengthen a splice site, but this prediction has not been confirmed by published transcriptional studies. In summary, the available evidence is currently insufficient to determine the role of this variant in disease. Therefore, it has been classified as a Variant of Uncertain Significance.